The following is an entry in ClinVar:

NM_001008212.2(OPTN):c.*562T>G

Gene: OPTN (optineurin; plus strand). Cytogenetic location: 10p13.
Variant type: single nucleotide variant.
Coding change: c.*562T>G on transcript NM_001008212.2 (MANE Select); 562 bases downstream of the stop codon, T replaced by G.
Molecular consequence: 3 prime UTR variant.
Genome position (GRCh38, 1-based): chr10:13,137,428, T>G. VCF-style: chr10-13137428-T-G. GRCh37 (hg19) VCF-style: chr10-13179428-T-G.
Other names: c.*562T>G (NM_001008211.1, NM_001008213.1, NM_021980.4).
Identifiers: ClinVar variation 299231 (VCV000299231.5), dbSNP rs148646641, ClinGen allele CA10634926.

ClinVar aggregate classification (germline): Benign/Likely benign. Review status: criteria provided, single submitter (1 of 4 stars). 2 submissions from 1 submitter: Benign (1); Likely benign (1). Last evaluated 2018-01-13.

Conditions:
Primary open angle glaucoma (POAG). Also called: OPTN-related open angle glaucoma. Identifiers: MedGen C0339573, MONDO:0100553, OMIM 137760.
Amyotrophic lateral sclerosis type 12 (ALS12). Also called: AMYOTROPHIC LATERAL SCLEROSIS 12 WITH OR WITHOUT FRONTOTEMPORAL DEMENTIA. Identifiers: Orphanet 803, MedGen C3150692, MONDO:0013264, OMIM 613435.

Allele frequency attached by ClinVar (database versions not stated): 1000 Genomes Project 30x 0.00187; 1000 Genomes Project 0.00220; TOPMed 0.00627; gnomAD 0.00688 and 0.00706; gnomAD exomes 0.00725.
gnomAD v4.1: 1,619 of 232,890 alleles (0.7%); highest among the groups gnomAD compares: Non-Finnish European, 1.1%; 10 homozygotes.

Submissions (2):

Illumina Laboratory Services, Illumina
Classification: Benign for Primary open angle glaucoma. Last evaluated: 2018-01-13. Review status: criteria provided, single submitter. Criteria: ICSL Variant Classification Criteria 13 December 2019. Collection method: clinical testing. Allele origin: germline.
Comment: This variant was observed in the ICSL laboratory as part of a predisposition screen in an ostensibly healthy population. It had not been previously curated by ICSL or reported in the Human Gene Mutation Database (HGMD: prior to June 1st, 2018), and was therefore a candidate for classification through an automated scoring system. Utilizing variant allele frequency, disease prevalence and penetrance estimates, and inheritance mode, an automated score was calculated to assess if this variant is too frequent to cause the disease. Based on the score and internal cut-off values, a variant classified as benign is not then subjected to further curation. The score for this variant resulted in a classification of benign for this disease.

Illumina Laboratory Services, Illumina
Classification: Likely benign for Amyotrophic lateral sclerosis type 12. Last evaluated: 2018-01-13. Review status: criteria provided, single submitter. Criteria: ICSL Variant Classification Criteria 13 December 2019. Collection method: clinical testing. Allele origin: germline.
Comment: This variant was observed in the ICSL laboratory as part of a predisposition screen in an ostensibly healthy population. It had not been previously curated by ICSL or reported in the Human Gene Mutation Database (HGMD: prior to June 1st, 2018), and was therefore a candidate for classification through an automated scoring system. Utilizing variant allele frequency, disease prevalence and penetrance estimates, and inheritance mode, an automated score was calculated to assess if this variant is too frequent to cause the disease. Based on the score and internal cut-off values, a variant classified as likely benign is not then subjected to further curation. The score for this variant resulted in a classification of likely benign for this disease.